The following is an entry in ClinVar:

NM_000077.5(CDKN2A):c.458-60A>C

Gene: CDKN2A (cyclin dependent kinase inhibitor 2A; minus strand). Cytogenetic location: 9p21.3.
Variant type: single nucleotide variant.
Coding change: c.458-60A>C on transcript NM_000077.5 (MANE Select); 60 bases into the intron before coding-DNA position 458, A replaced by C.
Molecular consequence: intron variant.
Genome position (GRCh38, 1-based): chr9:21,968,302, T>G on the plus strand (A>C on the coding strand, the complement: CDKN2A is on the minus strand). VCF-style: chr9-21968302-T-G. GRCh37 (hg19) VCF-style: chr9-21968301-T-G.
Other names: c.305-60A>C (NM_001363763.2); c.*102-60A>C (NM_058195.4); c.*151-60A>C (NM_001195132.2); c.*381-60A>C (NM_058197.5).
Identifiers: ClinVar variation 4294162 (VCV004294162.1).

ClinVar aggregate classification (germline): Benign (1 of 4 stars; one submission).

Conditions:
Melanoma-pancreatic cancer syndrome. Identifiers: Orphanet 404560, MedGen C1838547, MONDO:0011713, OMIM 606719. Disease mechanism: loss of function.

Submission:

Myriad Genetics, Inc.
Classification: Benign for Melanoma-pancreatic cancer syndrome. Last evaluated: 2025-08-18. Review status: criteria provided, single submitter. Criteria: Myriad Autosomal Dominant, Autosomal Recessive and X-Linked Classification Criteria (2023). Collection method: clinical testing. Allele origin: unknown.
Comment: This variant is considered benign. This variant is intronic and is not expected to impact mRNA splicing.